The following is an entry in ClinVar:

ClinVar aggregate classification (germline): Uncertain significance (1 of 4 stars; one submission).

Conditions:
Dyskeratosis congenita, autosomal dominant 1 (DKCA1). Also called: Dyskeratosis congenita Scoggins type. Identifiers: Orphanet 1775, MedGen C4551974, MONDO:0007485, OMIM 127550. Inheritance: Variable.

Allele frequency attached by ClinVar (database versions not stated): TOPMed below 0.00001; gnomAD exomes 0.00001; ExAC 0.00002; gnomAD 0.00002.
gnomAD v4.1: 7 of 764,718 alleles (0.00092%); highest among the groups gnomAD compares: East Asian, 0.0024%; no homozygotes.

Submission:

Labcorp Genetics (formerly Invitae), Labcorp
Classification: Uncertain significance for Dyskeratosis congenita, autosomal dominant 1. Last evaluated: 2024-06-10. Review status: criteria provided, single submitter. Criteria: Invitae Variant Classification Sherloc (09022015). Collection method: clinical testing. Allele origin: germline.
Comment: This variant occurs in the TERC gene, which encodes an RNA molecule that does not result in a protein product. The frequency data for this variant in the population databases is considered unreliable, as metrics indicate poor data quality at this position in the gnomAD database. This variant has not been reported in the literature in individuals affected with TERC-related conditions. ClinVar contains an entry for this variant (Variation ID: 967654). This variant is located at the 5’ end of the TERC RNA component (PMID: 15082312, 21844345). The functional significance of this region is not well understood. In summary, the available evidence is currently insufficient to determine the role of this variant in disease. Therefore, it has been classified as a Variant of Uncertain Significance.

Literature cited by the submitters: PubMed 15082312; PubMed 21844345.

NC_000003.12:g.169765037T>C

Genes: TERC (telomerase RNA component; minus strand), LOC110806306 (telomerase RNA component (TERC) promoter; plus strand). Cytogenetic location: 3q26.2.
Variant type: single nucleotide variant.
Genome position: GRCh38 VCF-style: chr3-169765037-T-C. GRCh37 (hg19) VCF-style: chr3-169482825-T-C.
Identifiers: ClinVar variation 967654 (VCV000967654.10), dbSNP rs766746392, ClinGen allele CA2696830.